The following is an entry in ClinVar:

ClinVar aggregate classification (germline): Uncertain significance (1 of 4 stars; one submission).

Conditions:
Loeys-Dietz syndrome 4 (LDS4). Also called: ANEURYSM, AORTIC AND CEREBRAL, WITH ARTERIAL TORTUOSITY AND SKELETAL MANIFESTATIONS; TGFB2-Related Loeys-Dietz Syndrome. Identifiers: MedGen C3553762, MONDO:0013897, OMIM 614816.

Submission:

Labcorp Genetics (formerly Invitae), Labcorp
Classification: Uncertain significance for Loeys-Dietz syndrome 4. Last evaluated: 2025-03-11. Review status: criteria provided, single submitter. Criteria: Invitae Variant Classification Sherloc (09022015). Collection method: clinical testing. Allele origin: germline.
Comment: This sequence change replaces glutamic acid, which is acidic and polar, with alanine, which is neutral and non-polar, at codon 62 of the TGFB2 protein (p.Glu62Ala). This variant is not present in population databases (gnomAD no frequency). This variant has not been reported in the literature in individuals affected with TGFB2-related conditions. Invitae Evidence Modeling of protein sequence and biophysical properties (such as structural, functional, and spatial information, amino acid conservation, physicochemical variation, residue mobility, and thermodynamic stability) indicates that this missense variant is not expected to disrupt TGFB2 protein function with a negative predictive value of 80%. In summary, the available evidence is currently insufficient to determine the role of this variant in disease. Therefore, it has been classified as a Variant of Uncertain Significance.

NM_003238.6(TGFB2):c.185A>C (p.Glu62Ala)

Gene: TGFB2 (transforming growth factor beta 2; plus strand). Cytogenetic location: 1q41.
Variant type: single nucleotide variant.
Coding change: c.185A>C on transcript NM_003238.6 (MANE Select); coding-DNA position 185, A replaced by C.
Protein change: p.Glu62Ala; replaces glutamic acid 62 with alanine.
Molecular consequence: missense variant. On other transcripts: non-coding transcript variant (2).
Genome position (GRCh38, 1-based): chr1:218,346,886, A>C. VCF-style: chr1-218346886-A-C. GRCh37 (hg19) VCF-style: chr1-218520228-A-C.
Other names: c.185A>C, p.Glu62Ala (NM_001135599.4); short protein forms E62A.
Identifiers: ClinVar variation 4740734 (VCV004740734.1).